The following is an entry in ClinVar:

NM_017780.4(CHD7):c.940C>A (p.Pro314Thr)

Gene: CHD7 (chromodomain helicase DNA binding protein 7; plus strand). Cytogenetic location: 8q12.2.
Variant type: single nucleotide variant.
Coding change: c.940C>A on transcript NM_017780.4 (MANE Select); coding-DNA position 940, C replaced by A.
Protein change: p.Pro314Thr; replaces proline 314 with threonine.
Molecular consequence: missense variant.
Genome position (GRCh38, 1-based): chr8:60,742,372, C>A. VCF-style: chr8-60742372-C-A. GRCh37 (hg19) VCF-style: chr8-61654931-C-A.
Other names: c.940C>A, p.Pro314Thr (NM_001316690.1); short protein forms P314T.
Identifiers: ClinVar variation 2911866 (VCV002911866.3), dbSNP rs1809085067, ClinGen allele CA371300187.

ClinVar aggregate classification (germline): Uncertain significance (1 of 4 stars; one submission).

Conditions:
CHARGE syndrome (CHARGE). Also called: Hittner Hirsch Kreh syndrome; CHARGE ASSOCIATION--COLOBOMA, HEART ANOMALY, CHOANAL ATRESIA, RETARDATION, GENITAL AND EAR ANOMALIES; Coloboma, heart anomaly, choanal atresia, retardation, genital and ear anomalies; CHARGE association; Hall-Hittner syndrome. Identifiers: Orphanet 138, MedGen C0265354, MONDO:0008965.

Allele frequency attached by ClinVar (database versions not stated): gnomAD exomes below 0.00001; TOPMed below 0.00001; gnomAD 0.00001.
gnomAD v4.1: 2 of 1,613,884 alleles (0.00012%); highest among the groups gnomAD compares: African/African-American, 0.0013%; no homozygotes.

Submission:

Labcorp Genetics (formerly Invitae), Labcorp
Classification: Uncertain significance for CHARGE syndrome. Last evaluated: 2023-11-17. Review status: criteria provided, single submitter. Criteria: Invitae Variant Classification Sherloc (09022015). Collection method: clinical testing. Allele origin: germline.
Comment: This sequence change replaces proline, which is neutral and non-polar, with threonine, which is neutral and polar, at codon 314 of the CHD7 protein (p.Pro314Thr). This variant is not present in population databases (gnomAD no frequency). This variant has not been reported in the literature in individuals affected with CHD7-related conditions. Advanced modeling of protein sequence and biophysical properties (such as structural, functional, and spatial information, amino acid conservation, physicochemical variation, residue mobility, and thermodynamic stability) performed at Invitae indicates that this missense variant is not expected to disrupt CHD7 protein function with a negative predictive value of 95%. In summary, the available evidence is currently insufficient to determine the role of this variant in disease. Therefore, it has been classified as a Variant of Uncertain Significance.